The following is an entry in ClinVar:

ClinVar aggregate classification (germline): Pathogenic/Likely pathogenic. Review status: criteria provided, multiple submitters, no conflicts (2 of 4 stars). 5 submissions from 5 submitters: Pathogenic (3); Likely pathogenic (2). Last evaluated 2025-11-06.

Conditions:
ALMS1-related disorder. Also called: ALMS1-related condition.
Alstrom syndrome (ALMS). Identifiers: Orphanet 64, MedGen C0268425, MONDO:0008763, OMIM 203800.
Cardiovascular phenotype. Identifiers: MedGen CN230736.

Submissions (5):

Labcorp Genetics (formerly Invitae), Labcorp
Classification: Pathogenic for Alstrom syndrome. Last evaluated: 2025-11-06. Review status: criteria provided, single submitter. Criteria: Invitae Variant Classification Sherloc (09022015). Collection method: clinical testing. Allele origin: germline.
Comment: This sequence change creates a premature translational stop signal (p.Gln1725Thrfs*7) in the ALMS1 gene. It is expected to result in an absent or disrupted protein product. Loss-of-function variants in ALMS1 are known to be pathogenic (PMID: 17594715). This variant is present in population databases (rs748709116, gnomAD 0.004%). This variant has not been reported in the literature in individuals affected with ALMS1-related conditions. ClinVar contains an entry for this variant (Variation ID: 866267). For these reasons, this variant has been classified as Pathogenic.

Natera, Inc.
Classification: Pathogenic for Alstrom syndrome. Last evaluated: 2025-08-11. Review status: criteria provided, single submitter. Criteria: Natera Variant Classification Schema (03/2026). Collection method: clinical testing. Allele origin: germline.
Comment: The c.5172dupA variant in ALMS1 is a frameshift variant predicted to shift the reading frame beginning at codon 1725 and leads to a stop codon 7 codons downstream. This variant is expected to result in nonsense mediated decay, truncation, or a dysfunctional protein product. This variant is rare in the general population with a frequency below the threshold expected for the associated phenotype(s). This variant has been observed in one or more individuals affected with the associated recessive disease, as either homozygous or compound heterozygous with a second variant (PMID: 39264219). Given the available evidence, this variant is classified as Pathogenic.

GeneDx
Classification: Likely pathogenic. Last evaluated: 2023-05-28. Review status: criteria provided, single submitter. Criteria: GeneDx Variant Classification Process June 2021. Collection method: clinical testing. Allele origin: germline. Affected: yes.
Comment: Frameshift variant predicted to result in protein truncation or nonsense mediated decay in a gene for which loss-of-function is a known mechanism of disease; Not observed at a significant frequency in large population cohorts (gnomAD); Has not been previously published as pathogenic or benign to our knowledge

Ambry Genetics
Classification: Pathogenic for Cardiovascular phenotype. Last evaluated: 2021-08-26. Review status: criteria provided, single submitter. Criteria: Ambry Variant Classification Scheme 2023. Collection method: clinical testing. Allele origin: germline.
Comment: The c.5172dupA pathogenic mutation, located in coding exon 8 of the ALMS1 gene, results from a duplication of A at nucleotide position 5172, causing a translational frameshift with a predicted alternate stop codon (p.Q1725Tfs*7). This alteration is expected to result in loss of function by premature protein truncation or nonsense-mediated mRNA decay. As such, this alteration is interpreted as a disease-causing mutation.

Blueprint Genetics
Classification: Likely pathogenic for ALMS1-related disorders. Last evaluated: 2020-10-02. Review status: criteria provided, single submitter. Criteria: ACMG Guidelines, 2015. Collection method: clinical testing. Allele origin: germline. Affected: yes. Observed: 3 variant alleles.

Literature cited by the submitters: PubMed 17594715 (cited by Labcorp Genetics (formerly Invitae), Labcorp); PubMed 39264219 (cited by Natera, Inc.).

NM_001378454.1(ALMS1):c.5169dup (p.Gln1724fs)

Gene: ALMS1 (ALMS1 centrosome and basal body associated protein; plus strand). Cytogenetic location: 2p13.1.
Variant type: Duplication.
Coding change: c.5169dup on transcript NM_001378454.1 (MANE Select); coding-DNA position 5169, one base duplicated (A; older notation c.5169dupA).
Protein change: p.Gln1724fs; shifts the reading frame from glutamine 1724.
Molecular consequence: frameshift variant.
Genome position (GRCh38, 1-based): chr2:73,451,696, A duplicated; the last of 2 consecutive A bases (chr2:73,451,695-73,451,696); duplicating either gives the same sequence. VCF-style (leftmost placement, unchanged base first): chr2-73451694-C-CA. GRCh37 (hg19) VCF-style: chr2-73678821-C-CA.
Other names: c.5172dup, p.Gln1725fs (NM_015120.4); c.5172dupA (NM_015120.4); short protein forms Q1724fs, Q1725fs.
Identifiers: ClinVar variation 866267 (VCV000866267.15), dbSNP rs748709116, ClinGen allele CA1713832.
Genomic context (GRCh38, chr2:73,451,694, plus strand): 5'-GAGACACCATCAGTATCCTCTAGTTTATACTCATATAGAGAGAAGCCCATTGTCTTCTAC[C>CA]AACAGGCCCTGCCAGACAGTGAGCTAACTCAAGAAGCTCTGAAAGTTTCAGCTGTTCCTC-3'